The following is an entry in ClinVar:

NM_032193.4(RNASEH2C):c.5A>C (p.Glu2Ala)

Gene: RNASEH2C (ribonuclease H2 subunit C; minus strand). Cytogenetic location: 11q13.1.
Variant type: single nucleotide variant.
Coding change: c.5A>C on transcript NM_032193.4 (MANE Select); coding-DNA position 5, A replaced by C.
Protein change: p.Glu2Ala; replaces glutamic acid 2 with alanine.
Molecular consequence: missense variant.
Genome position (GRCh38, 1-based): chr11:65,720,754, T>G on the plus strand (A>C on the coding strand, the complement: RNASEH2C is on the minus strand). VCF-style: chr11-65720754-T-G. GRCh37 (hg19) VCF-style: chr11-65488225-T-G.
Other names: short protein forms E2A.
Identifiers: ClinVar variation 2127413 (VCV002127413.1), dbSNP rs2495312427, ClinGen allele CA381299784.
Genomic context (GRCh38, chr11:65,720,754, plus strand): 5'-CGCAATGTGGCGGAGCGCAAGTGGACGCGGTGCCTCTCGATGGCCGCTTCGTCGCCGCTC[T>G]CCATCCTCCCTCCTACGCGACGCCAGGGCTCGCGAGCTGACACTGAAGCTGGCGCGGAAA-3'
Protein context (NP_115569.2, residues 1-12): M[Glu2Ala]SGDEAAIERH

ClinVar aggregate classification (germline): Uncertain significance (1 of 4 stars; one submission).

Conditions:
Aicardi-Goutieres syndrome 3. Identifiers: Orphanet 51, MedGen C1835916, MONDO:0012471, OMIM 610329.

Submission:

Labcorp Genetics (formerly Invitae), Labcorp
Classification: Uncertain significance for Aicardi-Goutieres syndrome 3. Last evaluated: 2022-01-03. Review status: criteria provided, single submitter. Criteria: Invitae Variant Classification Sherloc (09022015). Collection method: clinical testing. Allele origin: germline.
Comment: This sequence change replaces glutamic acid, which is acidic and polar, with alanine, which is neutral and non-polar, at codon 2 of the RNASEH2C protein (p.Glu2Ala). This variant is not present in population databases (gnomAD no frequency). This variant has not been reported in the literature in individuals affected with RNASEH2C-related conditions. Algorithms developed to predict the effect of missense changes on protein structure and function (SIFT, PolyPhen-2, Align-GVGD) all suggest that this variant is likely to be tolerated. In summary, the available evidence is currently insufficient to determine the role of this variant in disease. Therefore, it has been classified as a Variant of Uncertain Significance.